The following is an entry in ClinVar:

NM_001267550.2(TTN):c.105422dup (p.Tyr35141Ter)

Genes: TTN (titin; minus strand), TTN-AS1 (TTN antisense RNA 1; plus strand). Cytogenetic location: 2q31.2.
Variant type: Duplication.
Coding change: c.105422dup on transcript NM_001267550.2 (MANE Select); coding-DNA position 105422, one base duplicated (A; older notation c.105422dupA).
Protein change: p.Tyr35141Ter; replaces tyrosine 35141 with a stop codon.
Molecular consequence: nonsense.
Genome position (GRCh38, 1-based): chr2:178,531,193, T duplicated on the plus strand (A on the coding strand, the reverse complement: TTN is on the minus strand). VCF-style (leftmost placement, unchanged base first): chr2-178531192-G-GT. GRCh37 (hg19) VCF-style: chr2-179395919-G-GT.
Other names: c.105422dup (NM_001267550.1); c.100499dup, p.Tyr33500Ter (NM_001256850.1); c.78227dup, p.Tyr26076Ter (NM_003319.4); c.97718dup, p.Tyr32573Ter (NM_133378.4); c.78602dup, p.Tyr26201Ter (NM_133432.3); c.78803dup, p.Tyr26268Ter (NM_133437.4); short protein forms Y26201*, Y26268*, Y26076*, Y35141*, Y32573*, Y33500*.
Identifiers: ClinVar variation 592902 (VCV000592902.36), dbSNP rs1558995457, ClinGen allele CA913190112.

ClinVar aggregate classification (germline): Likely pathogenic. Review status: criteria provided, multiple submitters, no conflicts (2 of 4 stars). 5 submissions from 5 submitters: Likely pathogenic (5). Last evaluated 2026-03-23.

Conditions:
Autosomal recessive limb-girdle muscular dystrophy type 2J (LGMDR10). Also called: MUSCULAR DYSTROPHY, LIMB-GIRDLE, AUTOSOMAL RECESSIVE 10; Limb-girdle muscular dystrophy, type 2J. Identifiers: Orphanet 140922, MedGen C1837342, MONDO:0012127, OMIM 608807.
Dilated cardiomyopathy 1G (CMD1G). Identifiers: Orphanet 154, MedGen C1858763, MONDO:0011400, OMIM 604145.

Allele frequency attached by ClinVar (database versions not stated): TOPMed below 0.00001; gnomAD exomes below 0.00001.

Submissions (5):

GeneDx
Classification: Likely pathogenic. Last evaluated: 2026-03-23. Review status: criteria provided, single submitter. Criteria: GeneDx Variant Classification Process June 2021. Collection method: clinical testing. Allele origin: germline.
Comment: Nonsense variant predicted to result in protein truncation or nonsense mediated decay in a gene for which loss of function is a known mechanism of disease; Not observed at significant frequency in large population cohorts (gnomAD); Has not been previously published as pathogenic or benign to our knowledge; This variant is associated with the following publications: (PMID: 33106378, 28357410, 17444505, 32778822, 36637017)

Labcorp Genetics (formerly Invitae), Labcorp
Classification: Likely pathogenic for Dilated cardiomyopathy 1G; Autosomal recessive limb-girdle muscular dystrophy type 2J. Last evaluated: 2025-11-07. Review status: criteria provided, single submitter. Criteria: Invitae Variant Classification Sherloc (09022015). Collection method: clinical testing. Allele origin: germline.
Comment: This sequence change creates a premature translational stop signal (p.Tyr35141*) in the TTN gene. While this is not anticipated to result in nonsense mediated decay, it is expected to create a truncated TTN protein. This variant is not present in population databases (gnomAD no frequency). This premature translational stop signal has been observed in individual(s) with autosomal dominant dilated cardiomyopathy and/or autosomal recessive congenital myopathy (PMID: 28357410, 33106378). This variant is also known as c.97719C>G, p.Tyr32573*. ClinVar contains an entry for this variant (Variation ID: 592902). This variant is located in the M band of TTN (PMID: 25589632). Truncating variants in this region have been previously reported in individuals affected with autosomal dominant or autosomal recessive myopathy and muscular dystrophy (PMID: 18948003, 23975875, 24395473). Truncating variants in this region have also been identified in individuals affected with autosomal dominant dilated cardiomyopathy and/or cardio-related conditions (PMID: 27869827, 32964742, internal data). In summary, the currently available evidence indicates that the variant is pathogenic, but additional data are needed to prove that conclusively. Therefore, this variant has been classified as Likely Pathogenic.

CeGaT Center for Human Genetics Tuebingen
Classification: Likely pathogenic. Last evaluated: 2023-12-01. Review status: criteria provided, single submitter. Criteria: CeGaT Center For Human Genetics Tuebingen Variant Classification Criteria Version 2. Collection method: clinical testing. Allele origin: germline. Affected: yes. Observed: 1 variant allele.
Comment: TTN: PVS1:Strong, PM2

Revvity Omics, Revvity
Classification: Likely pathogenic. Last evaluated: 2020-04-08. Review status: criteria provided, single submitter. Criteria: ACMG Guidelines, 2015. Collection method: clinical testing. Allele origin: germline.

Eurofins Ntd Llc (ga)
Classification: Likely pathogenic. Last evaluated: 2018-06-28. Review status: criteria provided, single submitter. Criteria: EGL ClinVar v180209 classification definitions. Collection method: clinical testing. Allele origin: germline. Observed: 2 variant alleles, 1 heterozygote.

Literature cited by the submitters: PubMed 28357410 (cited by Labcorp Genetics (formerly Invitae), Labcorp); PubMed 33106378 (cited by Labcorp Genetics (formerly Invitae), Labcorp); PubMed 25589632 (cited by Labcorp Genetics (formerly Invitae), Labcorp); PubMed 18948003 (cited by Labcorp Genetics (formerly Invitae), Labcorp); PubMed 23975875 (cited by Labcorp Genetics (formerly Invitae), Labcorp); PubMed 24395473 (cited by Labcorp Genetics (formerly Invitae), Labcorp); PubMed 27869827 (cited by Labcorp Genetics (formerly Invitae), Labcorp); PubMed 32964742 (cited by Labcorp Genetics (formerly Invitae), Labcorp).